The following is an entry in ClinVar:

ClinVar aggregate classification (germline): Benign. Review status: criteria provided, single submitter (1 of 4 stars). 2 submissions from 1 submitter: Benign (2). Last evaluated 2018-01-12.

Conditions:
Waardenburg syndrome type 2A (WS2A). Also called: WAARDENBURG SYNDROME WITHOUT DYSTOPIA CANTHORUM. Identifiers: Orphanet 3440, MedGen C1860339, MONDO:0008671, OMIM 193510.
Tietz syndrome (TADS). Also called: ALBINISM-DEAFNESS OF TIETZ; HYPOPIGMENTATION/DEAFNESS OF TIETZ; TIETZ ALBINISM-DEAFNESS SYNDROME. Identifiers: Orphanet 42665, MedGen C0391816, MONDO:0007077, OMIM 103500.

Allele frequency attached by ClinVar (database versions not stated): gnomAD exomes 0.00050; 1000 Genomes Project 30x 0.00172; 1000 Genomes Project 0.00180; TOPMed 0.00266.
gnomAD v4.1: 417 of 232,768 alleles (0.18%); highest among the groups gnomAD compares: African/African-American, 0.79%; 1 homozygote.

Submissions (2):

Illumina Laboratory Services, Illumina
Classification: Benign for Tietz syndrome. Last evaluated: 2018-01-12. Review status: criteria provided, single submitter. Criteria: ICSL Variant Classification Criteria 13 December 2019. Collection method: clinical testing. Allele origin: germline.
Comment: This variant was observed in the ICSL laboratory as part of a predisposition screen in an ostensibly healthy population. It had not been previously curated by ICSL or reported in the Human Gene Mutation Database (HGMD: prior to June 1st, 2018), and was therefore a candidate for classification through an automated scoring system. Utilizing variant allele frequency, disease prevalence and penetrance estimates, and inheritance mode, an automated score was calculated to assess if this variant is too frequent to cause the disease. Based on the score and internal cut-off values, a variant classified as benign is not then subjected to further curation. The score for this variant resulted in a classification of benign for this disease.

Illumina Laboratory Services, Illumina
Classification: Benign for Waardenburg syndrome type 2A. Last evaluated: 2018-01-12. Review status: criteria provided, single submitter. Criteria: ICSL Variant Classification Criteria 13 December 2019. Collection method: clinical testing. Allele origin: germline.
Comment: the same text as in the submission from Illumina Laboratory Services, Illumina above.

NM_001354604.2(MITF):c.*1270G>A

Gene: MITF (melanocyte inducing transcription factor; plus strand). Cytogenetic location: 3p13.
Variant type: single nucleotide variant.
Coding change: c.*1270G>A on transcript NM_001354604.2 (MANE Select); 1270 bases downstream of the stop codon, G replaced by A.
Molecular consequence: 3 prime UTR variant.
Genome position (GRCh38, 1-based): chr3:69,966,518, G>A. VCF-style: chr3-69966518-G-A. GRCh37 (hg19) VCF-style: chr3-70015669-G-A.
Other names: c.*1270G>A (NM_006722.3, NM_198158.3, NM_198159.3 and 8 more transcripts).
Identifiers: ClinVar variation 900582 (VCV000900582.4), dbSNP rs137975240, ClinGen allele CA77003649.
Genomic context (GRCh38, chr3:69,966,518, plus strand): 5'-TTATTTTTAGGACATGAAAATAGCAATATTCTTGGAGATTGATAACCATAGCATTAATAC[G>A]CCCATTATGGTCATTTAAATTGGGGTTTATTTCAGCAAACTTGTTGAATTTATTTTTAAG-3'